The following is an entry in ClinVar:

NM_000310.4(PPT1):c.794C>G (p.Thr265Arg)

Gene: PPT1 (palmitoyl-protein thioesterase 1; minus strand). Cytogenetic location: 1p34.2.
Variant type: single nucleotide variant.
Coding change: c.794C>G on transcript NM_000310.4 (MANE Select); coding-DNA position 794, C replaced by G.
Protein change: p.Thr265Arg; replaces threonine 265 with arginine.
Molecular consequence: missense variant. On other transcripts: intron variant (1).
Genome position (GRCh38, 1-based): chr1:40,076,846, G>C on the plus strand (C>G on the coding strand, the complement: PPT1 is on the minus strand). VCF-style: chr1-40076846-G-C. GRCh37 (hg19) VCF-style: chr1-40542518-G-C.
Other names: c.485C>G, p.Thr162Arg (NM_001142604.2); c.726+1714C>G (NM_001363695.2); short protein forms T265R, T162R.
Identifiers: ClinVar variation 1499487 (VCV001499487.6), dbSNP rs746139685, ClinGen allele CA789568.

ClinVar aggregate classification (germline): Uncertain significance (1 of 4 stars; one submission).

Conditions:
Neuronal ceroid lipofuscinosis 1 (CLN1). Also called: CEROID LIPOFUSCINOSIS, NEURONAL, 1, VARIABLE AGE AT ONSET; PPT1-Related Neuronal Ceroid-Lipofuscinosis. Identifiers: Orphanet 228329, MedGen C1850451, MONDO:0009744, OMIM 256730.

Allele frequency attached by ClinVar (database versions not stated): gnomAD exomes below 0.00001; ExAC 0.00001.
gnomAD v4.1: 1 of 1,614,142 alleles (0.000062%); highest among the groups gnomAD compares: Non-Finnish European, 0.000085%; no homozygotes.

Submission:

Labcorp Genetics (formerly Invitae), Labcorp
Classification: Uncertain significance for Neuronal ceroid lipofuscinosis 1. Last evaluated: 2022-03-03. Review status: criteria provided, single submitter. Criteria: Invitae Variant Classification Sherloc (09022015). Collection method: clinical testing. Allele origin: germline.
Comment: In summary, the available evidence is currently insufficient to determine the role of this variant in disease. Therefore, it has been classified as a Variant of Uncertain Significance. Algorithms developed to predict the effect of sequence changes on RNA splicing suggest that this variant may create or strengthen a splice site. This sequence change replaces threonine, which is neutral and polar, with arginine, which is basic and polar, at codon 265 of the PPT1 protein (p.Thr265Arg). This variant is present in population databases (rs746139685, gnomAD 0.0009%). This variant has not been reported in the literature in individuals affected with PPT1-related conditions. Advanced modeling of protein sequence and biophysical properties (such as structural, functional, and spatial information, amino acid conservation, physicochemical variation, residue mobility, and thermodynamic stability) performed at Invitae indicates that this missense variant is not expected to disrupt PPT1 protein function.